The following is an entry in ClinVar:

NM_005619.5(RTN2):c.1283C>T (p.Thr428Met)

Genes: OPA3-RTN2 (OPA3-RTN2 readthrough; minus strand), RTN2 (reticulon 2; minus strand). Cytogenetic location: 19q13.32.
Variant type: single nucleotide variant.
Coding change: c.1283C>T on transcript NM_005619.5 (MANE Select); coding-DNA position 1283, C replaced by T.
Protein change: p.Thr428Met; replaces threonine 428 with methionine.
Molecular consequence: missense variant.
Genome position (GRCh38, 1-based): chr19:45,488,945, G>A on the plus strand (C>T on the coding strand, the complement: RTN2 is on the minus strand). VCF-style: chr19-45488945-G-A. GRCh37 (hg19) VCF-style: chr19-45992203-G-A.
Other names: c.1064C>T, p.Thr355Met (NM_206900.3); c.263C>T, p.Thr88Met (NM_206901.3); short protein forms T88M, T355M, T428M.
Identifiers: ClinVar variation 2884189 (VCV002884189.3), dbSNP rs74368484, ClinGen allele CA9516023.
Genomic context (GRCh38, chr19:45,488,945, plus strand): 5'-TGCCGCAGCTGCGTGGCCGCCGAGACCACGCGGGAGGTGATCTGGTGGGACAAACGTTCC[G>A]TCTGCTCCCGAGTCAGGGTGAGGTCCACATCCAGGTAGGCCCTGCGGGGACAAAGGAGTG-3'
Protein context (NP_005610.1, residues 418-438): DVDLTLTREQ[Thr428Met]ERLSHQITSR

ClinVar aggregate classification (germline): Uncertain significance (1 of 4 stars; one submission).

Conditions:
Spastic paraplegia. Identifiers: MedGen C0037772, HP:0001258.

gnomAD v4.1: 35 of 1,611,472 alleles (0.0022%); highest among the groups gnomAD compares: South Asian, 0.0033%; no homozygotes.

Submission:

Labcorp Genetics (formerly Invitae), Labcorp
Classification: Uncertain significance for Spastic paraplegia. Last evaluated: 2023-08-23. Review status: criteria provided, single submitter. Criteria: Invitae Variant Classification Sherloc (09022015). Collection method: clinical testing. Allele origin: germline.
Comment: This sequence change replaces threonine, which is neutral and polar, with methionine, which is neutral and non-polar, at codon 428 of the RTN2 protein (p.Thr428Met). This variant is present in population databases (rs74368484, gnomAD 0.01%). This variant has not been reported in the literature in individuals affected with RTN2-related conditions. Algorithms developed to predict the effect of missense changes on protein structure and function output the following: SIFT: "Not Available"; PolyPhen-2: "Benign"; Align-GVGD: "Not Available". The methionine amino acid residue is found in multiple mammalian species, which suggests that this missense change does not adversely affect protein function. In summary, the available evidence is currently insufficient to determine the role of this variant in disease. Therefore, it has been classified as a Variant of Uncertain Significance.